The following is an entry in ClinVar:

ClinVar aggregate classification (germline): Likely benign (1 of 4 stars; one submission).

Conditions:
JPH2-related disorder. Also called: JPH2-related condition.

gnomAD v4.1: 4 of 1,540,638 alleles (0.00026%); highest among the groups gnomAD compares: South Asian, 0.0024%; no homozygotes.

Submission:

PreventionGenetics, part of Exact Sciences
Classification: Likely benign for JPH2-related condition. Last evaluated: 2025-05-14. Review status: criteria provided, single submitter. Criteria: ACMG Guidelines, 2015. Collection method: clinical testing. Allele origin: germline.
Comment: This variant is classified as likely benign based on ACMG/AMP sequence variant interpretation guidelines (Richards et al. 2015 PMID: 25741868, with internal and published modifications).

NM_020433.5(JPH2):c.1605C>T (p.Pro535=)

Gene: JPH2 (junctophilin 2; minus strand). Cytogenetic location: 20q13.12.
Variant type: single nucleotide variant.
Coding change: c.1605C>T on transcript NM_020433.5 (MANE Select); coding-DNA position 1605, C replaced by T.
Protein change: p.Pro535=; no amino-acid change (proline 535 retained).
Molecular consequence: synonymous variant.
Genome position (GRCh38, 1-based): chr20:44,116,070, G>A on the plus strand (C>T on the coding strand, the complement: JPH2 is on the minus strand). VCF-style: chr20-44116070-G-A. GRCh37 (hg19) VCF-style: chr20-42744710-G-A.
Identifiers: ClinVar variation 4986455 (VCV004986455.1).